The following is an entry in ClinVar:

ClinVar aggregate classification (germline): Uncertain significance. Review status: criteria provided, multiple submitters, no conflicts (2 of 4 stars). 2 submissions from 2 submitters: Uncertain significance (2). Last evaluated 2025-08-31.

Conditions:
Evans syndrome, immunodeficiency, and premature immunosenescence associated with tripeptidyl-peptidase II deficiency. Identifiers: MedGen CN231723. Disease mechanism: loss of function.
Inborn genetic diseases. Identifiers: MedGen C0950123, MeSH D030342.

Allele frequency attached by ClinVar (database versions not stated): TOPMed below 0.00001.

Submissions (2):

Ambry Genetics
Classification: Uncertain significance for Inborn genetic diseases. Last evaluated: 2025-08-31. Review status: criteria provided, single submitter. Criteria: Ambry Variant Classification Scheme 2023. Collection method: clinical testing. Allele origin: germline.

Labcorp Genetics (formerly Invitae), Labcorp
Classification: Uncertain significance for Evans syndrome, immunodeficiency, and premature immunosenescence associated with tripeptidyl-peptidase II deficiency. Last evaluated: 2022-07-12. Review status: criteria provided, single submitter. Criteria: Invitae Variant Classification Sherloc (09022015). Collection method: clinical testing. Allele origin: germline.
Comment: This sequence change replaces isoleucine, which is neutral and non-polar, with methionine, which is neutral and non-polar, at codon 424 of the TPP2 protein (p.Ile424Met). This variant is not present in population databases (gnomAD no frequency). This variant has not been reported in the literature in individuals affected with TPP2-related conditions. ClinVar contains an entry for this variant (Variation ID: 664670). Algorithms developed to predict the effect of missense changes on protein structure and function are either unavailable or do not agree on the potential impact of this missense change (SIFT: "Deleterious"; PolyPhen-2: "Probably Damaging"; Align-GVGD: "Class C0"). In summary, the available evidence is currently insufficient to determine the role of this variant in disease. Therefore, it has been classified as a Variant of Uncertain Significance.

NM_001330588.2(TPP2):c.1272C>G (p.Ile424Met)

Gene: TPP2 (tripeptidyl peptidase 2; plus strand). Cytogenetic location: 13q33.1.
Variant type: single nucleotide variant.
Coding change: c.1272C>G on transcript NM_001330588.2 (MANE Select); coding-DNA position 1272, C replaced by G.
Protein change: p.Ile424Met; replaces isoleucine 424 with methionine.
Molecular consequence: missense variant. On other transcripts: non-coding transcript variant (1).
Genome position (GRCh38, 1-based): chr13:102,633,977, C>G. VCF-style: chr13-102633977-C-G. GRCh37 (hg19) VCF-style: chr13-103286327-C-G.
Other names: c.1272C>G, p.Ile424Met (NM_001367947.1, NM_003291.4, LRG_1341t1); short protein forms I424M.
Identifiers: ClinVar variation 664670 (VCV000664670.9), dbSNP rs1595168550, ClinGen allele CA388485125.